The following is an entry in ClinVar:

ClinVar aggregate classification (germline): Uncertain significance (1 of 4 stars; one submission).

Submission:

GeneDx
Classification: Uncertain significance. Last evaluated: 2024-07-12. Review status: criteria provided, single submitter. Criteria: GeneDx Variant Classification Process June 2021. Collection method: clinical testing. Allele origin: germline. Affected: yes.
Comment: Not observed at significant frequency in large population cohorts (gnomAD); In silico analysis indicates that this variant does not alter protein structure/function; Has not been previously published as pathogenic or benign to our knowledge

NM_004370.6(COL12A1):c.4898_4899delinsAT (p.Ser1633Asn)

Gene: COL12A1 (collagen type XII alpha 1 chain; minus strand). Cytogenetic location: 6q13.
Variant type: Indel.
Coding change: c.4898_4899delinsAT on transcript NM_004370.6 (MANE Select); coding-DNA positions 4898 to 4899, GC replaced by AT.
Protein change: p.Ser1633Asn; replaces serine 1633 with asparagine.
Molecular consequence: missense variant.
Genome position (GRCh38, 1-based): chr6:75,142,090-75,142,091, GC replaced by AT on the plus strand (GC replaced by AT on the coding strand, the reverse complement: COL12A1 is on the minus strand). VCF-style: chr6-75142090-GC-AT. GRCh37 (hg19) VCF-style: chr6-75851806-GC-AT.
Other names: c.4898_4899delinsAT, p.Ser1633Asn (NM_001424113.1, NM_001424114.1); c.4625_4626delinsAT, p.Ser1542Asn (NM_001424115.1); c.1406_1407delinsAT, p.Ser469Asn (NM_001424116.1, NM_080645.3); short protein forms S469N, S1542N, S1633N.
Identifiers: ClinVar variation 3572762 (VCV003572762.1).
Genomic context (GRCh38, chr6:75,142,090, plus strand): 5'-ACGGGTAGTTTCTTGAGCAGTCACTGGAGGAGACTCCCCCTCGTCATGTACTGCAGAAAC[GC>AT]TGACTGTGTACAAGGTCTGTGAGAAGAGGTCTTTGAGGGAAGTGCTGGTCTCTGATCTGT-3'
Protein context (NP_004361.3, residues 1623-1643): DLFSQTLYTV[Ser1633Asn]VSAVHDEGES